The following is an entry in ClinVar:

NM_006514.4(SCN10A):c.625C>T (p.Arg209Cys)

Gene: SCN10A (sodium voltage-gated channel alpha subunit 10; minus strand). Cytogenetic location: 3p22.2.
Variant type: single nucleotide variant.
Coding change: c.625C>T on transcript NM_006514.4 (MANE Select); coding-DNA position 625, C replaced by T.
Protein change: p.Arg209Cys; replaces arginine 209 with cysteine.
Molecular consequence: missense variant.
Genome position (GRCh38, 1-based): chr3:38,763,571, G>A on the plus strand (C>T on the coding strand, the complement: SCN10A is on the minus strand). VCF-style: chr3-38763571-G-A. GRCh37 (hg19) VCF-style: chr3-38805062-G-A.
Other names: c.625C>T, p.Arg209Cys (NM_001293306.2, NM_001293307.2); short protein forms R209C.
Identifiers: ClinVar variation 1752487 (VCV001752487.33), dbSNP rs138262927, ClinGen allele CA2321128.

ClinVar aggregate classification (germline): Uncertain significance. Review status: criteria provided, multiple submitters, no conflicts (2 of 4 stars). 5 submissions from 5 submitters: Uncertain significance (5). Last evaluated 2026-03-23.

Conditions:
Cardiovascular phenotype. Identifiers: MedGen CN230736.
Brugada syndrome. Also called: Sudden unexpected nocturnal death syndrome; Sudden Unexplained Death Syndrome; Sudden Unexplained Nocturnal Death Syndrome (SUNDS); Sudden unexplained nocturnal death syndrome. Identifiers: Orphanet 130, MedGen C1142166, MONDO:0015263.

Allele frequency attached by ClinVar (database versions not stated): gnomAD exomes 0.00003; gnomAD 0.00005; TOPMed 0.00006; ExAC 0.00007; ESP Exome Variant Server 0.00015.

Submissions (5):

Women's Health and Genetics/Laboratory Corporation of America, LabCorp
Classification: Uncertain significance. Last evaluated: 2026-03-23. Review status: criteria provided, single submitter. Criteria: LabCorp Variant Classification Summary - May 2015. Collection method: clinical testing. Allele origin: germline.

Ambry Genetics
Classification: Uncertain significance for Cardiovascular phenotype. Last evaluated: 2025-11-20. Review status: criteria provided, single submitter. Criteria: Ambry Variant Classification Scheme 2023. Collection method: clinical testing. Allele origin: germline.

Labcorp Genetics (formerly Invitae), Labcorp
Classification: Uncertain significance for Brugada syndrome. Last evaluated: 2025-08-06. Review status: criteria provided, single submitter. Criteria: Invitae Variant Classification Sherloc (09022015). Collection method: clinical testing. Allele origin: germline.
Comment: This sequence change replaces arginine, which is basic and polar, with cysteine, which is neutral and slightly polar, at codon 209 of the SCN10A protein (p.Arg209Cys). This variant is present in population databases (rs138262927, gnomAD 0.01%). This variant has not been reported in the literature in individuals affected with SCN10A-related conditions. ClinVar contains an entry for this variant (Variation ID: 1752487). Invitae Evidence Modeling of protein sequence and biophysical properties (such as structural, functional, and spatial information, amino acid conservation, physicochemical variation, residue mobility, and thermodynamic stability) indicates that this missense variant is expected to disrupt SCN10A protein function with a positive predictive value of 80%. Algorithms developed to predict the effect of sequence changes on RNA splicing suggest that this variant may disrupt the consensus splice site. In summary, the available evidence is currently insufficient to determine the role of this variant in disease. Therefore, it has been classified as a Variant of Uncertain Significance.

GeneDx
Classification: Uncertain significance. Last evaluated: 2024-06-04. Review status: criteria provided, single submitter. Criteria: GeneDx Variant Classification Process June 2021. Collection method: clinical testing. Allele origin: germline. Affected: yes.
Comment: Has not been previously published as pathogenic or benign to our knowledge; In silico analysis indicates that this missense variant does not alter protein structure/function

CeGaT Center for Human Genetics Tuebingen
Classification: Uncertain significance. Last evaluated: 2023-10-01. Review status: criteria provided, single submitter. Criteria: CeGaT Center For Human Genetics Tuebingen Variant Classification Criteria Version 2. Collection method: clinical testing. Allele origin: germline. Affected: yes. Observed: 1 variant allele.